The following is an entry in ClinVar:

NM_004341.5(CAD):c.3897C>T (p.Tyr1299=)

Gene: CAD (carbamoyl-phosphate synthetase 2, aspartate transcarbamylase, and dihydroorotase; plus strand). Cytogenetic location: 2p23.3.
Variant type: single nucleotide variant.
Coding change: c.3897C>T on transcript NM_004341.5 (MANE Select); coding-DNA position 3897, C replaced by T.
Protein change: p.Tyr1299=; no amino-acid change (tyrosine 1299 retained).
Molecular consequence: synonymous variant.
Genome position (GRCh38, 1-based): chr2:27,235,355, C>T. VCF-style: chr2-27235355-C-T. GRCh37 (hg19) VCF-style: chr2-27458223-C-T.
Other names: c.3708C>T, p.Tyr1236= (NM_001306079.2).
Identifiers: ClinVar variation 734373 (VCV000734373.15), dbSNP rs142918199, ClinGen allele CA1573392.
Genomic context (GRCh38, chr2:27,235,355, plus strand): 5'-TGTGGAAATGACCAGTACTGGGGAGGTGGCCGGCTTTGGGGAGAGCCGCTGTGAGGCATA[C>T]CTCAAGGCCATGCTAAGCACTGGCTTTAAGATCCCCAAGAAGAATATCCTGCTGACCATT-3'
Protein context (NP_004332.2, residues 1289-1309): AGFGESRCEA[Tyr1299=]LKAMLSTGFK

ClinVar aggregate classification (germline): Likely benign. Review status: criteria provided, multiple submitters, no conflicts (2 of 4 stars). 3 submissions from 3 submitters: Likely benign (3). Last evaluated 2025-12-19.

Allele frequency attached by ClinVar (database versions not stated): gnomAD 0.00002; TOPMed 0.00003; gnomAD exomes 0.00004 and 0.00005; ExAC 0.00006; ESP Exome Variant Server 0.00008.
gnomAD v4.1: 69 of 1,613,938 alleles (0.0043%); highest among the groups gnomAD compares: Non-Finnish European, 0.0056%; no homozygotes.

Submissions (3):

Labcorp Genetics (formerly Invitae), Labcorp
Classification: Likely benign. Last evaluated: 2025-12-19. Review status: criteria provided, single submitter. Criteria: Invitae Variant Classification Sherloc (09022015). Collection method: clinical testing. Allele origin: germline.

CeGaT Center for Human Genetics Tuebingen
Classification: Likely benign. Last evaluated: 2025-11-01. Review status: criteria provided, single submitter. Criteria: CeGaT Center For Human Genetics Tuebingen Variant Classification Criteria Version 2. Collection method: clinical testing. Allele origin: germline. Affected: yes. Observed: 1 variant allele.
Comment: CAD: BP4, BP7

Blueprint Genetics
Classification: Likely benign. Last evaluated: 2024-10-02. Review status: criteria provided, single submitter. Criteria: ACMG Guidelines, 2015. Collection method: clinical testing. Allele origin: germline.